The following is an entry in ClinVar:

NM_001080477.4(TENM3):c.2090G>A (p.Arg697His)

Gene: TENM3 (teneurin transmembrane protein 3; plus strand). Cytogenetic location: 4q35.1.
Variant type: single nucleotide variant.
Coding change: c.2090G>A on transcript NM_001080477.4 (MANE Select); coding-DNA position 2090, G replaced by A.
Protein change: p.Arg697His; replaces arginine 697 with histidine.
Molecular consequence: missense variant.
Genome position (GRCh38, 1-based): chr4:182,688,220, G>A. VCF-style: chr4-182688220-G-A. GRCh37 (hg19) VCF-style: chr4-183609373-G-A.
Other names: c.2090G>A (NM_001080477.1); short protein forms R697H.
Identifiers: ClinVar variation 733650 (VCV000733650.9), dbSNP rs147392905, ClinGen allele CA3147892.

ClinVar aggregate classification (germline): Likely benign. Review status: criteria provided, multiple submitters, no conflicts (2 of 4 stars). 4 submissions from 4 submitters: Likely benign (3). 1 of the submissions does not count toward it. Last evaluated 2025-10-13.

Conditions:
TENM3-related disorder. Also called: TENM3-related condition.
Inborn genetic diseases. Identifiers: MedGen C0950123, MeSH D030342.

Allele frequency attached by ClinVar (database versions not stated): gnomAD exomes 0.00016; ExAC 0.00050; 1000 Genomes Project 0.00060; 1000 Genomes Project 30x 0.00078; ESP Exome Variant Server 0.00097; gnomAD 0.00121 and 0.00134; TOPMed 0.00127.
gnomAD v4.1: 439 of 1,613,860 alleles (0.027%); highest among the groups gnomAD compares: African/African-American, 0.41%; 2 homozygotes.

Submissions (4):

Labcorp Genetics (formerly Invitae), Labcorp
Classification: Likely benign. Last evaluated: 2025-10-13. Review status: criteria provided, single submitter. Criteria: Invitae Variant Classification Sherloc (09022015). Collection method: clinical testing. Allele origin: germline.

Ambry Genetics
Classification: Likely benign for Inborn genetic diseases. Last evaluated: 2025-08-30. Review status: criteria provided, single submitter. Criteria: Ambry Variant Classification Scheme 2023. Collection method: clinical testing. Allele origin: germline.

Breakthrough Genomics
Classification: Likely benign. Review status: criteria provided, single submitter. Criteria: ACMG Guidelines, 2015. Collection method: not provided. Allele origin: germline. Inheritance: Autosomal recessive inheritance. Affected: yes.

PreventionGenetics, part of Exact Sciences
Classification: Likely benign for TENM3-related condition. Last evaluated: 2022-03-09. Review status: no assertion criteria provided. Collection method: clinical testing. Allele origin: germline. Not counted in ClinVar's aggregate classification.
Comment: This variant is classified as likely benign based on ACMG/AMP sequence variant interpretation guidelines (Richards et al. 2015 PMID: 25741868, with internal and published modifications).